The following is an entry in ClinVar:

NM_007227.3(GPR45):c.466dup (p.Trp156fs)

Gene: GPR45 (G protein-coupled receptor 45; plus strand). Cytogenetic location: 2q12.1.
Variant type: Duplication.
Coding change: c.466dup on transcript NM_007227.3 (MANE Select); coding-DNA position 466, one base duplicated (T; older notation c.466dupT).
Protein change: p.Trp156fs; shifts the reading frame from tryptophan 156.
Molecular consequence: frameshift variant.
Genome position (GRCh38, 1-based): chr2:105,242,324, T duplicated. VCF-style (leftmost placement, unchanged base first): chr2-105242323-C-CT. GRCh37 (hg19) VCF-style: chr2-105858780-C-CT.
Other names: short protein forms W156fs.
Identifiers: ClinVar variation 3722985 (VCV003722985.2).

ClinVar aggregate classification (germline): Uncertain significance (1 of 4 stars; one submission).

Submission:

Labcorp Genetics (formerly Invitae), Labcorp
Classification: Uncertain significance. Last evaluated: 2024-10-16. Review status: criteria provided, single submitter. Criteria: Invitae Variant Classification Sherloc (09022015). Collection method: clinical testing. Allele origin: germline.
Comment: This sequence change creates a premature translational stop signal (p.Trp156Leufs*37) in the GPR45 gene. While this is not anticipated to result in nonsense mediated decay, it is expected to disrupt the last 217 amino acid(s) of the GPR45 protein. This variant is not present in population databases (gnomAD no frequency). This variant has not been reported in the literature in individuals affected with GPR45-related conditions. Experimental studies and prediction algorithms are not available or were not evaluated, and the functional significance of this variant is currently unknown. In summary, the available evidence is currently insufficient to determine the role of this variant in disease. Therefore, it has been classified as a Variant of Uncertain Significance.